The following is an entry in ClinVar:

ClinVar aggregate classification (germline): Uncertain significance. Review status: criteria provided, single submitter (1 of 4 stars). 2 submissions from 2 submitters: Uncertain significance (1). 1 of the submissions does not count toward it. Last evaluated 2025-01-20.

Conditions:
MAGEL2-related disorder. Also called: MAGEL2-related condition.

Allele frequency attached by ClinVar (database versions not stated): gnomAD exomes below 0.00001; gnomAD 0.00001.

Submissions (2):

Labcorp Genetics (formerly Invitae), Labcorp
Classification: Uncertain significance. Last evaluated: 2025-01-20. Review status: criteria provided, single submitter. Criteria: Invitae Variant Classification Sherloc (09022015). Collection method: clinical testing. Allele origin: germline.
Comment: This sequence change replaces methionine, which is neutral and non-polar, with lysine, which is basic and polar, at codon 179 of the MAGEL2 protein (p.Met179Lys). This variant is present in population databases (no rsID available, gnomAD 0.009%). This variant has not been reported in the literature in individuals affected with MAGEL2-related conditions. ClinVar contains an entry for this variant (Variation ID: 1943340). Experimental studies and prediction algorithms are not available or were not evaluated, and the functional significance of this variant is currently unknown. In summary, the available evidence is currently insufficient to determine the role of this variant in disease. Therefore, it has been classified as a Variant of Uncertain Significance.

PreventionGenetics, part of Exact Sciences
Classification: Uncertain significance for MAGEL2-related condition. Last evaluated: 2023-12-30. Review status: no assertion criteria provided. Collection method: clinical testing. Allele origin: germline. Not counted in ClinVar's aggregate classification.
Comment: The MAGEL2 c.536T>A variant is predicted to result in the amino acid substitution p.Met179Lys. To our knowledge, this variant has not been reported in the literature. This variant is reported in 0.0085% of alleles in individuals of Latino descent in gnomAD. At this time, the clinical significance of this variant is uncertain due to the absence of conclusive functional and genetic evidence.

NM_019066.5(MAGEL2):c.536T>A (p.Met179Lys)

Gene: MAGEL2 (MAGE family member L2; minus strand). Cytogenetic location: 15q11.2.
Variant type: single nucleotide variant.
Coding change: c.536T>A on transcript NM_019066.5 (MANE Select); coding-DNA position 536, T replaced by A.
Protein change: p.Met179Lys; replaces methionine 179 with lysine.
Molecular consequence: missense variant.
Genome position (GRCh38, 1-based): chr15:23,647,207, A>T on the plus strand (T>A on the coding strand, the complement: MAGEL2 is on the minus strand). VCF-style: chr15-23647207-A-T. GRCh37 (hg19) VCF-style: chr15-23892354-A-T.
Other names: c.536T>A (NM_019066.4); short protein forms M179K.
Identifiers: ClinVar variation 1943340 (VCV001943340.6), dbSNP rs942445828, ClinGen allele CA267661437.